The following is an entry in ClinVar:

ClinVar aggregate classification (germline): Uncertain significance (1 of 4 stars; one submission).

Conditions:
Inborn genetic diseases. Identifiers: MedGen C0950123, MeSH D030342.

Submission:

Ambry Genetics
Classification: Uncertain significance for Inborn genetic diseases. Last evaluated: 2019-05-01. Review status: criteria provided, single submitter. Criteria: Ambry Variant Classification Scheme 2023. Collection method: clinical testing. Allele origin: germline.
Comment: The p.L2163F variant (also known as c.6487C>T), located in coding exon 35 of the VPS13B gene, results from a C to T substitution at nucleotide position 6487. The leucine at codon 2163 is replaced by phenylalanine, an amino acid with highly similar properties. This amino acid position is highly conserved in available vertebrate species. In addition, the in silico prediction for this alteration is inconclusive. Since supporting evidence is limited at this time, the clinical significance of this alteration remains unclear.

NM_152564.5(VPS13B):c.6412C>T (p.Leu2138Phe)

Gene: VPS13B (vacuolar protein sorting 13 homolog B; plus strand). Cytogenetic location: 8q22.2.
Variant type: single nucleotide variant.
Coding change: c.6412C>T on transcript NM_152564.5 (MANE Select); coding-DNA position 6412, C replaced by T.
Protein change: p.Leu2138Phe; replaces leucine 2138 with phenylalanine.
Molecular consequence: missense variant.
Genome position (GRCh38, 1-based): chr8:99,699,890, C>T. VCF-style: chr8-99699890-C-T. GRCh37 (hg19) VCF-style: chr8-100712118-C-T.
Other names: c.6487C>T, p.Leu2163Phe (NM_017890.5); short protein forms L2138F, L2163F.
Identifiers: ClinVar variation 1753792 (VCV001753792.2), dbSNP rs2491484956, ClinGen allele CA371875113.